The following is an entry in ClinVar:

NM_001040108.2(MLH3):c.4135C>T (p.Arg1379Cys)

Gene: MLH3 (mutL homolog 3; minus strand). Cytogenetic location: 14q24.3.
Variant type: single nucleotide variant.
Coding change: c.4135C>T on transcript NM_001040108.2 (MANE Select); coding-DNA position 4135, C replaced by T.
Protein change: p.Arg1379Cys; replaces arginine 1379 with cysteine.
Molecular consequence: missense variant.
Genome position (GRCh38, 1-based): chr14:75,018,936, G>A on the plus strand (C>T on the coding strand, the complement: MLH3 is on the minus strand). VCF-style: chr14-75018936-G-A. GRCh37 (hg19) VCF-style: chr14-75485639-G-A.
Other names: c.4063C>T, p.Arg1355Cys (NM_014381.3); short protein forms R1379C, R1355C.
Identifiers: ClinVar variation 570136 (VCV000570136.14), dbSNP rs376224686, ClinGen allele CA7275214.

ClinVar aggregate classification (germline): Uncertain significance. Review status: criteria provided, multiple submitters, no conflicts (2 of 4 stars). 2 submissions from 2 submitters: Uncertain significance (2). Last evaluated 2025-05-05.

Conditions:
Colorectal cancer, hereditary nonpolyposis, type 7. Identifiers: Orphanet 144, MedGen C1858380, MONDO:0013725, OMIM 614385.

Allele frequency attached by ClinVar (database versions not stated): ExAC 0.00003; TOPMed 0.00003; gnomAD exomes 0.00004 and 0.00013; ESP Exome Variant Server 0.00008; gnomAD 0.00002.
gnomAD v4.1: 183 of 1,613,986 alleles (0.011%); highest among the groups gnomAD compares: Non-Finnish European, 0.015%; no homozygotes.

Submissions (2):

Labcorp Genetics (formerly Invitae), Labcorp
Classification: Uncertain significance for Colorectal cancer, hereditary nonpolyposis, type 7. Last evaluated: 2025-05-05. Review status: criteria provided, single submitter. Criteria: Invitae Variant Classification Sherloc (09022015). Collection method: clinical testing. Allele origin: germline.
Comment: This sequence change replaces arginine, which is basic and polar, with cysteine, which is neutral and slightly polar, at codon 1379 of the MLH3 protein (p.Arg1379Cys). This variant is present in population databases (rs376224686, gnomAD 0.006%). This variant has not been reported in the literature in individuals affected with MLH3-related conditions. ClinVar contains an entry for this variant (Variation ID: 570136). An algorithm developed to predict the effect of missense changes on protein structure and function (PolyPhen-2) suggests that this variant is likely to be disruptive. In summary, the available evidence is currently insufficient to determine the role of this variant in disease. Therefore, it has been classified as a Variant of Uncertain Significance.

Ambry Genetics
Classification: Uncertain significance. Last evaluated: 2024-11-08. Review status: criteria provided, single submitter. Criteria: Ambry Variant Classification Scheme 2023. Collection method: clinical testing. Allele origin: germline.
Comment: The p.R1379C variant (also known as c.4135C>T), located in coding exon 11 of the MLH3 gene, results from a C to T substitution at nucleotide position 4135. The arginine at codon 1379 is replaced by cysteine, an amino acid with highly dissimilar properties. This amino acid position is not well conserved in available vertebrate species. In addition, the in silico prediction for this alteration is inconclusive. Since supporting evidence is limited at this time, the clinical significance of this alteration remains unclear.